The following is an entry in ClinVar:

ClinVar aggregate classification (germline): Uncertain significance (1 of 4 stars; one submission).

gnomAD v4.1: 9 of 1,614,240 alleles (0.00056%); highest among the groups gnomAD compares: Non-Finnish European, 0.00076%; no homozygotes.

Submission:

Labcorp Genetics (formerly Invitae), Labcorp
Classification: Uncertain significance. Last evaluated: 2021-01-26. Review status: criteria provided, single submitter. Criteria: Invitae Variant Classification Sherloc (09022015). Collection method: clinical testing. Allele origin: germline.
Comment: This variant is not present in population databases (ExAC no frequency). In summary, the available evidence is currently insufficient to determine the role of this variant in disease. Therefore, it has been classified as a Variant of Uncertain Significance. Algorithms developed to predict the effect of sequence changes on RNA splicing suggest that this variant may create or strengthen a splice site, but this prediction has not been confirmed by published transcriptional studies. Algorithms developed to predict the effect of missense changes on protein structure and function (SIFT, PolyPhen-2, Align-GVGD) all suggest that this variant is likely to be disruptive, but these predictions have not been confirmed by published functional studies and their clinical significance is uncertain. This variant has not been reported in the literature in individuals with HMOX1-related conditions. This sequence change replaces valine with glycine at codon 281 of the HMOX1 protein (p.Val281Gly). The valine residue is highly conserved and there is a moderate physicochemical difference between valine and glycine.

NM_002133.3(HMOX1):c.842T>G (p.Val281Gly)

Gene: HMOX1 (heme oxygenase 1; plus strand). Cytogenetic location: 22q12.3.
Variant type: single nucleotide variant.
Coding change: c.842T>G on transcript NM_002133.3 (MANE Select); coding-DNA position 842, T replaced by G.
Protein change: p.Val281Gly; replaces valine 281 with glycine.
Molecular consequence: missense variant.
Genome position (GRCh38, 1-based): chr22:35,393,573, T>G. VCF-style: chr22-35393573-T-G. GRCh37 (hg19) VCF-style: chr22-35789566-T-G.
Other names: short protein forms V281G.
Identifiers: ClinVar variation 1470956 (VCV001470956.8), dbSNP rs1931781392, ClinGen allele CA411354587.